The following is an entry in ClinVar:

NM_030632.3(ASXL3):c.6548A>G (p.Asn2183Ser)

Gene: ASXL3 (ASXL transcriptional regulator 3; plus strand). Cytogenetic location: 18q12.1.
Variant type: single nucleotide variant.
Coding change: c.6548A>G on transcript NM_030632.3 (MANE Select); coding-DNA position 6548, A replaced by G.
Protein change: p.Asn2183Ser; replaces asparagine 2183 with serine.
Molecular consequence: missense variant.
Genome position (GRCh38, 1-based): chr18:33,746,396, A>G. VCF-style: chr18-33746396-A-G. GRCh37 (hg19) VCF-style: chr18-31326360-A-G.
Other names: short protein forms N2183S.
Identifiers: ClinVar variation 1702623 (VCV001702623.2), dbSNP rs2145436776, ClinGen allele CA402197117.
Genomic context (GRCh38, chr18:33,746,396, plus strand): 5'-GTTTCAAAAGGGCAGCATCTGCAATTGAAAAGTCCATTGGGATTTTGGGAAGTGGCTCCA[A>G]TCCTGCCACAGGCTTGTCTGGTCAGAACGCTCAGATGCCCGTTCAGAACTTTGCCGACAG-3'
Protein context (NP_085135.1, residues 2173-2193): KSIGILGSGS[Asn2183Ser]PATGLSGQNA

ClinVar aggregate classification (germline): Uncertain significance (1 of 4 stars; one submission).

Allele frequency attached by ClinVar (database versions not stated): gnomAD exomes 0.00001.
gnomAD v4.1: 3 of 1,613,904 alleles (0.00019%); highest among the groups gnomAD compares: South Asian, 0.0011%; no homozygotes.

Submission:

GeneDx
Classification: Uncertain significance. Last evaluated: 2022-02-17. Review status: criteria provided, single submitter. Criteria: GeneDx Variant Classification Process June 2021. Collection method: clinical testing. Allele origin: germline. Affected: yes.
Comment: Not observed at significant frequency in large population cohorts (gnomAD); In silico analysis supports that this missense variant does not alter protein structure/function; Has not been previously published as pathogenic or benign to our knowledge